The following is an entry in ClinVar:

NC_000023.10:g.(?_8496914)_(8700179_?)dup

Gene: ANOS1 (anosmin 1; minus strand). Cytogenetic location: Xp22.31.
Variant type: Duplication.
Identifiers: ClinVar variation 4847131 (VCV004847131.1).

ClinVar aggregate classification (germline): Uncertain significance (1 of 4 stars; one submission).

Submission:

Women's Health and Genetics/Laboratory Corporation of America, LabCorp
Classification: Uncertain significance. Last evaluated: 2026-03-18. Review status: criteria provided, single submitter. Criteria: LabCorp Variant Classification Summary - May 2015. Collection method: clinical testing. Allele origin: germline.
Comment: Variant summary: The variant involves the duplication of exons 1-14 in the ANOS1 gene. A presumed nomenclature of c.(?_-102)_(*4122_?)dup has been designated for the purposes of this classification. This duplication includes the entire coding sequence of the gene. As exact breakpoints are unknown, it may extend beyond the annotated region of the gene, to include other flanking genes. The variant was absent in 15814 control chromosomes. The available data on variant occurrences in the general population are insufficient to allow any conclusion about variant significance. To our knowledge, no occurrence of c.(?_-102)_(*4122_?)dup in individuals affected with ANOS1-related conditions and no experimental evidence demonstrating its impact on protein function have been reported. ClinVar contains an entry for this variant (Variation ID: 2422591). Based on the evidence outlined above, the variant was classified as uncertain significance.